The following is an entry in ClinVar:

NM_001197104.2(KMT2A):c.9545A>G (p.Asn3182Ser)

Gene: KMT2A (lysine methyltransferase 2A; plus strand). Cytogenetic location: 11q23.3.
Variant type: single nucleotide variant.
Coding change: c.9545A>G on transcript NM_001197104.2 (MANE Select); coding-DNA position 9545, A replaced by G.
Protein change: p.Asn3182Ser; replaces asparagine 3182 with serine.
Molecular consequence: missense variant.
Genome position (GRCh38, 1-based): chr11:118,505,437, A>G. VCF-style: chr11-118505437-A-G. GRCh37 (hg19) VCF-style: chr11-118376152-A-G.
Other names: c.9536A>G, p.Asn3179Ser (NM_005933.4); short protein forms N3179S, N3182S.
Identifiers: ClinVar variation 1025265 (VCV001025265.9), dbSNP rs770458074, ClinGen allele CA6304607.

ClinVar aggregate classification (germline): Conflicting classifications of pathogenicity. Review status: criteria provided, conflicting classifications (1 of 4 stars). 2 submissions from 2 submitters: Uncertain significance (1); Likely benign (1). Last evaluated 2025-09-08.

Allele frequency attached by ClinVar (database versions not stated): ExAC 0.00001; gnomAD 0.00002 and 0.00003; gnomAD exomes 0.00002 and 0.00003; TOPMed 0.00005.
gnomAD v4.1: 49 of 1,613,914 alleles (0.003%); highest among the groups gnomAD compares: East Asian, 0.0045%; no homozygotes.

Submissions (2):

Labcorp Genetics (formerly Invitae), Labcorp
Classification: Uncertain significance. Last evaluated: 2025-09-08. Review status: criteria provided, single submitter. Criteria: Invitae Variant Classification Sherloc (09022015). Collection method: clinical testing. Allele origin: germline.
Comment: This sequence change replaces asparagine, which is neutral and polar, with serine, which is neutral and polar, at codon 3182 of the KMT2A protein (p.Asn3182Ser). This variant is present in population databases (rs770458074, gnomAD 0.007%). This variant has not been reported in the literature in individuals affected with KMT2A-related conditions. ClinVar contains an entry for this variant (Variation ID: 1025265). Invitae Evidence Modeling of protein sequence and biophysical properties (such as structural, functional, and spatial information, amino acid conservation, physicochemical variation, residue mobility, and thermodynamic stability) indicates that this missense variant is not expected to disrupt KMT2A protein function with a negative predictive value of 95%. In summary, the available evidence is currently insufficient to determine the role of this variant in disease. Therefore, it has been classified as a Variant of Uncertain Significance.

Blueprint Genetics
Classification: Likely benign. Last evaluated: 2023-10-02. Review status: criteria provided, single submitter. Criteria: ACMG Guidelines, 2015. Collection method: clinical testing. Allele origin: germline.